The following is an entry in ClinVar:

NM_001135998.3(NDUFB11):c.359G>A (p.Arg120His)

Gene: NDUFB11 (NADH:ubiquinone oxidoreductase subunit B11; minus strand). Cytogenetic location: Xp11.3.
Variant type: single nucleotide variant.
Coding change: c.359G>A on transcript NM_001135998.3 (MANE Select); coding-DNA position 359, G replaced by A.
Protein change: p.Arg120His; replaces arginine 120 with histidine.
Molecular consequence: missense variant.
Genome position (GRCh38, 1-based): chrX:47,142,420, C>T on the plus strand (G>A on the coding strand, the complement: NDUFB11 is on the minus strand). VCF-style: chrX-47142420-C-T. GRCh37 (hg19) VCF-style: chrX-47001819-C-T.
Other names: c.389G>A, p.Arg130His (NM_019056.7); short protein forms R130H, R120H.
Identifiers: ClinVar variation 638355 (VCV000638355.6), dbSNP rs782753177, ClinGen allele CA10394885.

ClinVar aggregate classification (germline): Uncertain significance. Review status: criteria provided, multiple submitters, no conflicts (2 of 4 stars). 3 submissions from 3 submitters: Uncertain significance (3). Last evaluated 2025-06-09.

Conditions:
Linear skin defects with multiple congenital anomalies 1 (LSDMCA1). Also called: MLS syndrome; Microphthalmia with Linear Skin Defects Syndrome; MIDAS SYNDROME. Identifiers: Orphanet 2556, MedGen C0796070, MONDO:0024552, OMIM 309801.

Allele frequency attached by ClinVar (database versions not stated): ExAC 0.00003; gnomAD exomes 0.00003; gnomAD 0.00005 and 0.00006; TOPMed 0.00007.
gnomAD v4.1: 32 of 1,209,942 alleles (0.0026%); highest among the groups gnomAD compares: South Asian, 0.018%; no homozygotes.

Submissions (3):

GeneDx
Classification: Uncertain significance. Last evaluated: 2025-06-09. Review status: criteria provided, single submitter. Criteria: GeneDx Variant Classification Process June 2021. Collection method: clinical testing. Allele origin: germline. Affected: yes.
Comment: In silico analysis supports that this missense variant has a deleterious effect on protein structure/function; This variant is associated with the following publications: (PMID: 29420653, 34490615)

Labcorp Genetics (formerly Invitae), Labcorp
Classification: Uncertain significance. Last evaluated: 2024-09-12. Review status: criteria provided, single submitter. Criteria: Invitae Variant Classification Sherloc (09022015). Collection method: clinical testing. Allele origin: germline.
Comment: This sequence change replaces arginine, which is basic and polar, with histidine, which is basic and polar, at codon 130 of the NDUFB11 protein (p.Arg130His). This variant is present in population databases (rs782753177, gnomAD 0.02%). This missense change has been observed in individual(s) with NDUFB11-related conditions (PMID: 34490615). ClinVar contains an entry for this variant (Variation ID: 638355). An algorithm developed to predict the effect of missense changes on protein structure and function (PolyPhen-2) suggests that this variant is likely to be disruptive. In summary, the available evidence is currently insufficient to determine the role of this variant in disease. Therefore, it has been classified as a Variant of Uncertain Significance.

Genomic Research Center, Shahid Beheshti University of Medical Sciences
Classification: Uncertain significance for Linear skin defects with multiple congenital anomalies 1. Last evaluated: 2019-04-27. Review status: criteria provided, single submitter. Criteria: ACMG Guidelines, 2015. Collection method: clinical testing. Allele origin: unknown. Affected: yes.

Literature cited by the submitters: PubMed 34490615 (cited by Labcorp Genetics (formerly Invitae), Labcorp).